The following is an entry in ClinVar:

NM_000059.4(BRCA2):c.1391dup (p.Val465fs)

Gene: BRCA2 (BRCA2 DNA repair associated; plus strand). Cytogenetic location: 13q13.1.
Variant type: Duplication.
Coding change: c.1391dup on transcript NM_000059.4 (MANE Select); coding-DNA position 1391, one base duplicated (T; older notation c.1391dupT).
Protein change: p.Val465fs; shifts the reading frame from valine 465.
Molecular consequence: frameshift variant.
Genome position (GRCh38, 1-based): chr13:32,332,869, T duplicated. VCF-style (leftmost placement, unchanged base first): chr13-32332868-G-GT. GRCh37 (hg19) VCF-style: chr13-32907005-G-GT.
Other names: c.1391dupT (NM_000059.3); short protein forms V465fs.
Identifiers: ClinVar variation 548338 (VCV000548338.1), dbSNP rs1555281888, ClinGen allele CA658823717.
Genomic context (GRCh38, chr13:32,332,868, plus strand): 5'-AATTCTTTGCCACGTATTTCTAGCCTACCAAAATCAGAGAAGCCATTAAATGAGGAAACA[G>GT]TGGTAAATAAGAGAGATGAAGAGCAGCATCTTGAATCTCATACAGACTGCATTCTTGCAG-3'

ClinVar aggregate classification (germline): Pathogenic (3 of 4 stars; one submission).

Conditions:
Breast-ovarian cancer, familial, susceptibility to, 2 (BROVCA2). Also called: BRCA2 Hereditary Breast and Ovarian Cancer. Identifiers: Orphanet 145, MedGen C2675520, MONDO:0012933, OMIM 612555. Disease mechanism: loss of function.

Submission:

Evidence-based Network for the Interpretation of Germline Mutant Alleles (ENIGMA)
Classification: Pathogenic for Breast-ovarian cancer, familial, susceptibility to, 2. Last evaluated: 2017-12-15. Review status: reviewed by expert panel. Criteria: ENIGMA BRCA1/2 Classification Criteria (2017-06-29). Collection method: curation. Allele origin: germline. Study: ENIGMA.
Comment: Variant allele predicted to encode a truncated non-functional protein.